The following is an entry in ClinVar:

ClinVar aggregate classification (germline): Pathogenic/Likely pathogenic. Review status: criteria provided, multiple submitters, no conflicts (2 of 4 stars). 3 submissions from 3 submitters: Pathogenic (1); Likely pathogenic (2). Last evaluated 2025-02-06.

Conditions:
Multiple acyl-CoA dehydrogenase deficiency (MADD). Also called: Glutaric Acidemia type 2; Glutaric aciduria, type 2; Glutaric acidemia type II; GA 2; ETHYLMALONIC-ADIPICACIDURIA; GA II. Identifiers: Orphanet 26791, MedGen C0268596, MONDO:0009282, OMIM 231680.

Submissions (3):

Labcorp Genetics (formerly Invitae), Labcorp
Classification: Pathogenic for Multiple acyl-CoA dehydrogenase deficiency. Last evaluated: 2025-02-06. Review status: criteria provided, single submitter. Criteria: Invitae Variant Classification Sherloc (09022015). Collection method: clinical testing. Allele origin: germline.
Comment: This sequence change replaces leucine, which is neutral and non-polar, with proline, which is neutral and non-polar, at codon 496 of the ETFDH protein (p.Leu496Pro). This variant is not present in population databases (gnomAD no frequency). This missense change has been observed in individual(s) with multiple acyl-CoA dehydrogenase deficiency (PMID: 25326637; internal data). In at least one individual the data is consistent with being in trans (on the opposite chromosome) from a pathogenic variant. It has also been observed to segregate with disease in related individuals. ClinVar contains an entry for this variant (Variation ID: 242522). Invitae Evidence Modeling of protein sequence and biophysical properties (such as structural, functional, and spatial information, amino acid conservation, physicochemical variation, residue mobility, and thermodynamic stability) indicates that this missense variant is expected to disrupt ETFDH protein function with a positive predictive value of 80%. For these reasons, this variant has been classified as Pathogenic.

Fulgent Genetics
Classification: Likely pathogenic for Multiple acyl-CoA dehydrogenase deficiency. Last evaluated: 2024-04-18. Review status: criteria provided, single submitter. Criteria: ACMG Guidelines, 2015. Collection method: clinical testing. Allele origin: germline.

Revvity Omics, Revvity
Classification: Likely pathogenic for Multiple acyl-CoA dehydrogenase deficiency. Last evaluated: 2020-03-16. Review status: criteria provided, single submitter. Criteria: ACMG Guidelines, 2015. Collection method: clinical testing. Allele origin: germline.

Literature cited by the submitters: PubMed 25326637 (cited by Labcorp Genetics (formerly Invitae), Labcorp).

NM_004453.4(ETFDH):c.1487T>C (p.Leu496Pro)

Gene: ETFDH (electron transfer flavoprotein dehydrogenase; plus strand). Cytogenetic location: 4q32.1.
Variant type: single nucleotide variant.
Coding change: c.1487T>C on transcript NM_004453.4 (MANE Select); coding-DNA position 1487, T replaced by C.
Protein change: p.Leu496Pro; replaces leucine 496 with proline.
Molecular consequence: missense variant.
Genome position (GRCh38, 1-based): chr4:158,706,647, T>C. VCF-style: chr4-158706647-T-C. GRCh37 (hg19) VCF-style: chr4-159627799-T-C.
Other names: c.1346T>C, p.Leu449Pro (NM_001281737.2); c.1304T>C, p.Leu435Pro (NM_001281738.1); short protein forms L496P, L435P, L449P.
Identifiers: ClinVar variation 242522 (VCV000242522.15), dbSNP rs863224869, ClinGen allele CA351297.
Genomic context (GRCh38, chr4:158,706,647, plus strand): 5'-AAAATCATATTTTGTTAAGCATTTCCCTCAAAATTGTTGAAGGTTCTGACTTTGAACGGC[T>C]CAAGCCAGCCAAGGATTGCACACCTATTGAGTATCCAAAACCCGATGGACAGATCAGTTT-3'
Protein context (NP_004444.2, residues 486-506): LKHKGSDFER[Leu496Pro]KPAKDCTPIE